The following is an entry in ClinVar:

NM_030962.4(SBF2):c.807A>T (p.Pro269=)

Gene: SBF2 (SET binding factor 2; minus strand). Cytogenetic location: 11p15.4.
Variant type: single nucleotide variant.
Coding change: c.807A>T on transcript NM_030962.4 (MANE Select); coding-DNA position 807, A replaced by T.
Protein change: p.Pro269=; no amino-acid change (proline 269 retained).
Molecular consequence: synonymous variant.
Genome position (GRCh38, 1-based): chr11:10,000,968, T>A on the plus strand (A>T on the coding strand, the complement: SBF2 is on the minus strand). VCF-style: chr11-10000968-T-A. GRCh37 (hg19) VCF-style: chr11-10022515-T-A.
Other names: c.807A>T, p.Pro269= (NM_001386339.1, NM_001386342.1).
Identifiers: ClinVar variation 384154 (VCV000384154.3), dbSNP rs1057521879, ClinGen allele CA16606757.

ClinVar aggregate classification (germline): Likely benign. Review status: criteria provided, multiple submitters, no conflicts (2 of 4 stars). 2 submissions from 2 submitters: Likely benign (2). Last evaluated 2019-07-11.

Conditions:
Inborn genetic diseases. Identifiers: MedGen C0950123, MeSH D030342.

Allele frequency attached by ClinVar (database versions not stated): gnomAD exomes below 0.00001.
gnomAD v4.1: 1 of 1,607,972 alleles (0.000062%); highest among the groups gnomAD compares: Admixed American, 0.0017%; no homozygotes.

Submissions (2):

Ambry Genetics
Classification: Likely benign for Inborn genetic diseases. Last evaluated: 2019-07-11. Review status: criteria provided, single submitter. Criteria: Ambry Variant Classification Scheme 2023. Collection method: clinical testing. Allele origin: germline.

GeneDx
Classification: Likely benign. Last evaluated: 2016-03-08. Review status: criteria provided, single submitter. Criteria: GeneDx Variant Classification (06012015). Collection method: clinical testing. Allele origin: germline. Affected: yes.
Comment: This variant is considered likely benign or benign based on one or more of the following criteria: it is a conservative change, it occurs at a poorly conserved position in the protein, it is predicted to be benign by multiple in silico algorithms, and/or has population frequency not consistent with disease.